The following is an entry in ClinVar:

ClinVar aggregate classification (germline): Uncertain significance (1 of 4 stars; one submission).

gnomAD v4.1: 8 of 1,614,066 alleles (0.0005%); highest among the groups gnomAD compares: Non-Finnish European, 0.00068%; no homozygotes.

Submission:

Women's Health and Genetics/Laboratory Corporation of America, LabCorp
Classification: Uncertain significance. Last evaluated: 2024-11-08. Review status: criteria provided, single submitter. Criteria: LabCorp Variant Classification Summary - May 2015. Collection method: clinical testing. Allele origin: germline.
Comment: Variant summary: SIN3A c.1985A>G (p.Glu662Gly) results in a non-conservative amino acid change in the encoded protein sequence. Three of five in-silico tools predict a damaging effect of the variant on protein function. The variant was absent in 251452 control chromosomes. The available data on variant occurrences in the general population are insufficient to allow any conclusion about variant significance. To our knowledge, no occurrence of c.1985A>G in individuals affected with SIN3A-Related Intellectual Disability Syndrome and no experimental evidence demonstrating its impact on protein function have been reported. No submitters have cited clinical-significance assessments for this variant to ClinVar. Based on the evidence outlined above, the variant was classified as uncertain significance.

NM_001145358.2(SIN3A):c.1985A>G (p.Glu662Gly)

Gene: SIN3A (SIN3 transcription regulator family member A; minus strand). Cytogenetic location: 15q24.2.
Variant type: single nucleotide variant.
Coding change: c.1985A>G on transcript NM_001145358.2 (MANE Select); coding-DNA position 1985, A replaced by G.
Protein change: p.Glu662Gly; replaces glutamic acid 662 with glycine.
Molecular consequence: missense variant.
Genome position (GRCh38, 1-based): chr15:75,396,366, T>C on the plus strand (A>G on the coding strand, the complement: SIN3A is on the minus strand). VCF-style: chr15-75396366-T-C. GRCh37 (hg19) VCF-style: chr15-75688707-T-C.
Other names: c.1985A>G, p.Glu662Gly (NM_001145357.2, NM_015477.3); short protein forms E662G.
Identifiers: ClinVar variation 3629758 (VCV003629758.1).